The following is an entry in ClinVar:

ClinVar aggregate classification (germline): Uncertain significance (1 of 4 stars; one submission).

Allele frequency attached by ClinVar (database versions not stated): gnomAD exomes below 0.00001.
gnomAD v4.1: 1 of 1,613,752 alleles (0.000062%); highest among the groups gnomAD compares: South Asian, 0.0011%; no homozygotes.

Submission:

Ambry Genetics
Classification: Uncertain significance. Last evaluated: 2023-12-31. Review status: criteria provided, single submitter. Criteria: Ambry Variant Classification Scheme 2023. Collection method: clinical testing. Allele origin: germline.
Comment: The p.G770S variant (also known as c.2308G>A), located in coding exon 15 of the POLQ gene, results from a G to A substitution at nucleotide position 2308. The glycine at codon 770 is replaced by serine, an amino acid with similar properties. This amino acid position is conserved. In addition, the in silico prediction for this alteration is inconclusive. Since supporting evidence is limited at this time, the clinical significance of this alteration remains unclear.

NM_199420.4(POLQ):c.2308G>A (p.Gly770Ser)

Gene: POLQ (DNA polymerase theta; minus strand). Cytogenetic location: 3q13.33.
Variant type: single nucleotide variant.
Coding change: c.2308G>A on transcript NM_199420.4 (MANE Select); coding-DNA position 2308, G replaced by A.
Protein change: p.Gly770Ser; replaces glycine 770 with serine.
Molecular consequence: missense variant.
Genome position (GRCh38, 1-based): chr3:121,493,692, C>T on the plus strand (G>A on the coding strand, the complement: POLQ is on the minus strand). VCF-style: chr3-121493692-C-T. GRCh37 (hg19) VCF-style: chr3-121212539-C-T.
Other names: short protein forms G770S.
Identifiers: ClinVar variation 1789388 (VCV001789388.2), dbSNP rs2108800740, ClinGen allele CA354108250.